The following is an entry in ClinVar:

NM_000548.5(TSC2):c.4196G>T (p.Gly1399Val)

Gene: TSC2 (TSC complex subunit 2; plus strand). Cytogenetic location: 16p13.3.
Variant type: single nucleotide variant.
Coding change: c.4196G>T on transcript NM_000548.5 (MANE Select); coding-DNA position 4196, G replaced by T.
Protein change: p.Gly1399Val; replaces glycine 1399 with valine.
Molecular consequence: missense variant.
Genome position (GRCh38, 1-based): chr16:2,084,418, G>T. VCF-style: chr16-2084418-G-T. GRCh37 (hg19) VCF-style: chr16-2134419-G-T.
Other names: c.4016G>T, p.Gly1339Val (NM_001406670.1); c.3983G>T, p.Gly1328Val (NM_001406673.1); c.3980G>T, p.Gly1327Val (NM_001406675.1); c.3977G>T, p.Gly1326Val (NM_001406676.1); c.3986G>T, p.Gly1329Val (NM_001406671.1); c.3995G>T, p.Gly1332Val (NM_001077183.3); c.4127G>T, p.Gly1376Val (NM_001114382.3); c.3887G>T, p.Gly1296Val (NM_001318827.2); and 26 more; short protein forms G1132V, G1155V, G1176V, G1313V, G1339V, G1398V, G1399V, G908V.
Identifiers: ClinVar variation 1738594 (VCV001738594.4), dbSNP rs2090504166, ClinGen allele CA394299845.

ClinVar aggregate classification (germline): Uncertain significance. Review status: criteria provided, multiple submitters, no conflicts (2 of 4 stars). 3 submissions from 3 submitters: Uncertain significance (3). Last evaluated 2023-12-22.

Conditions:
Hereditary cancer-predisposing syndrome. Also called: Hereditary Cancer Syndrome; Hereditary neoplastic syndrome; Neoplastic Syndromes, Hereditary; Tumor predisposition. Identifiers: Orphanet 140162, MedGen C0027672, MeSH D009386, MONDO:0015356.
Isolated focal cortical dysplasia type II (FCORD2). Also called: CORTICAL DYSPLASIA OF TAYLOR; Focal cortical dysplasia type II. Identifiers: Orphanet 268994, MedGen C1846385, MONDO:0011818, OMIM 607341, HP:0032051.

Submissions (3):

Baylor Genetics
Classification: Uncertain significance for Isolated focal cortical dysplasia type II. Last evaluated: 2023-12-22. Review status: criteria provided, single submitter. Criteria: ACMG Guidelines, 2015. Collection method: clinical testing. Allele origin: unknown.

GeneDx
Classification: Uncertain significance. Last evaluated: 2023-03-10. Review status: criteria provided, single submitter. Criteria: GeneDx Variant Classification Process June 2021. Collection method: clinical testing. Allele origin: germline. Affected: yes.
Comment: Not observed at significant frequency in large population cohorts (gnomAD); In silico analysis supports that this missense variant does not alter protein structure/function; Has not been previously published as pathogenic or benign to our knowledge

Ambry Genetics
Classification: Uncertain significance for Hereditary cancer-predisposing syndrome. Last evaluated: 2022-07-02. Review status: criteria provided, single submitter. Criteria: Ambry Variant Classification Scheme 2023. Collection method: clinical testing. Allele origin: germline.
Comment: The p.G1399V variant (also known as c.4196G>T), located in coding exon 33 of the TSC2 gene, results from a G to T substitution at nucleotide position 4196. The glycine at codon 1399 is replaced by valine, an amino acid with dissimilar properties. This amino acid position is conserved. In addition, the in silico prediction for this alteration is inconclusive. Since supporting evidence is limited at this time, the clinical significance of this alteration remains unclear.